The following is an entry in ClinVar:

ClinVar aggregate classification (germline): Uncertain significance (1 of 4 stars; one submission).

Conditions:
Charcot-Marie-Tooth Neuropathy X. Identifiers: MedGen CN118851.

Submission:

Labcorp Genetics (formerly Invitae), Labcorp
Classification: Uncertain significance for Charcot-Marie-Tooth Neuropathy X. Last evaluated: 2025-08-17. Review status: criteria provided, single submitter. Criteria: Invitae Variant Classification Sherloc (09022015). Collection method: clinical testing. Allele origin: germline.
Comment: This sequence change replaces isoleucine, which is neutral and non-polar, with threonine, which is neutral and polar, at codon 101 of the GJB1 protein (p.Ile101Thr). This variant is not present in population databases (gnomAD no frequency). This variant has not been reported in the literature in individuals affected with GJB1-related conditions. ClinVar contains an entry for this variant (Variation ID: 2728478). Invitae Evidence Modeling of protein sequence and biophysical properties (such as structural, functional, and spatial information, amino acid conservation, physicochemical variation, residue mobility, and thermodynamic stability) has been performed for this missense variant. However, the output from this modeling did not meet the statistical confidence thresholds required to predict the impact of this variant on GJB1 protein function. In summary, the available evidence is currently insufficient to determine the role of this variant in disease. Therefore, it has been classified as a Variant of Uncertain Significance.

NM_000166.6(GJB1):c.302T>C (p.Ile101Thr)

Gene: GJB1 (gap junction protein beta 1; plus strand). Cytogenetic location: Xq13.1.
Variant type: single nucleotide variant.
Coding change: c.302T>C on transcript NM_000166.6 (MANE Select); coding-DNA position 302, T replaced by C.
Protein change: p.Ile101Thr; replaces isoleucine 101 with threonine.
Molecular consequence: missense variant.
Genome position (GRCh38, 1-based): chrX:71,224,009, T>C. VCF-style: chrX-71224009-T-C. GRCh37 (hg19) VCF-style: chrX-70443859-T-C.
Other names: c.302T>C, p.Ile101Thr (NM_001097642.3); short protein forms I101T.
Identifiers: ClinVar variation 2728478 (VCV002728478.3), dbSNP rs2519798244, ClinGen allele CA413501841.
Genomic context (GRCh38, chrX:71,224,009, plus strand): 5'-TCATCCTAGTTTCCACCCCAGCTCTCCTCGTGGCCATGCACGTGGCTCACCAGCAACACA[T>C]AGAGAAGAAAATGCTACGGCTTGAGGGCCATGGGGACCCCCTACACCTGGAGGAGGTGAA-3'
Protein context (NP_000157.1, residues 91-111): VAMHVAHQQH[Ile101Thr]EKKMLRLEGH